The following is an entry in ClinVar:

ClinVar aggregate classification (germline): Likely pathogenic (0 of 4 stars; one submission).

Conditions:
Autosomal recessive nonsyndromic hearing loss 9. Also called: NEUROSENSORY NONSYNDROMIC RECESSIVE DEAFNESS 9; OTOF-Related Hearing Loss; Deafness, autosomal recessive 9; AUDITORY NEUROPATHY, AUTOSOMAL RECESSIVE, 1, TEMPERATURE-SENSITIVE. Identifiers: Orphanet 90636, MedGen C1832828, MONDO:0010986, OMIM 601071.

Submission:

Diagnosis and Treatment Center of Genetic Hearing Loss, Eye & ENT Hospital of Fudan University
Classification: Likely pathogenic for Autosomal recessive nonsyndromic hearing loss 9. Last evaluated: 2026-02-04. Review status: no assertion criteria provided. Collection method: clinical testing. Allele origin: germline. Inheritance: Autosomal recessive inheritance. Affected: yes.
Comment: The c.1373_1392+1delinsCAGGTACAGCAAAGAAGT complex rearrangement in OTOF disrupts the splice donor site and is predicted to cause loss of function (PVS1). It is absent from population databases (PM2_Supporting).

Literature cited by the submitters: PubMed 19461658; PubMed 31589614; PubMed 36147510; PubMed 26969326; PubMed 34536124.

NM_194248.3(OTOF):c.1373_1392+1delinsCAGGTACAGCAAAGAAGT

Gene: OTOF (otoferlin; minus strand). Cytogenetic location: 2p23.3.
Variant type: Indel.
Coding change: c.1373_1392+1delinsCAGGTACAGCAAAGAAGT on transcript NM_194248.3 (MANE Select); coding-DNA position 1373 through the canonical splice donor site of the intron after coding-DNA position 1392, TCTTCTTTGCTGGCCAGAAGG replaced by CAGGTACAGCAAAGAAGT.
Molecular consequence: splice donor variant.
Genome position (GRCh38, 1-based): chr2:26,483,461-26,483,481, CCTTCTGGCCAGCAAAGAAGA replaced by ACTTCTTTGCTGTACCTG on the plus strand (TCTTCTTTGCTGGCCAGAAGG replaced by CAGGTACAGCAAAGAAGT on the coding strand, the reverse complement: OTOF is on the minus strand). GRCh37 (hg19): chr2:26,706,329-26,706,349.
Other names: c.1373_1392+1delinsCAGGTACAGCAAAGAAGT (NM_001287489.2).
Identifiers: ClinVar variation 4879948 (VCV004879948.1).